The following is an entry in ClinVar:

ClinVar aggregate classification (germline): Likely benign. Review status: criteria provided, multiple submitters, no conflicts (2 of 4 stars). 2 submissions from 2 submitters: Likely benign (2). Last evaluated 2025-01-16.

Conditions:
MYH9-related disorder. Identifiers: MedGen C1854520.

gnomAD v4.1: 15 of 1,611,520 alleles (0.00093%); highest among the groups gnomAD compares: East Asian, 0.0022%; no homozygotes.

Submissions (2):

PreventionGenetics, part of Exact Sciences
Classification: Likely benign for MYH9-related condition. Last evaluated: 2025-01-16. Review status: criteria provided, single submitter. Criteria: ACMG Guidelines, 2015. Collection method: clinical testing. Allele origin: germline.
Comment: This variant is classified as likely benign based on ACMG/AMP sequence variant interpretation guidelines (Richards et al. 2015 PMID: 25741868, with internal and published modifications).

Labcorp Genetics (formerly Invitae), Labcorp
Classification: Likely benign. Last evaluated: 2024-05-31. Review status: criteria provided, single submitter. Criteria: Invitae Variant Classification Sherloc (09022015). Collection method: clinical testing. Allele origin: germline.

NM_002473.6(MYH9):c.3798C>T (p.Arg1266=)

Gene: MYH9 (myosin heavy chain 9; minus strand). Cytogenetic location: 22q12.3.
Variant type: single nucleotide variant.
Coding change: c.3798C>T on transcript NM_002473.6 (MANE Select); coding-DNA position 3798, C replaced by T.
Protein change: p.Arg1266=; no amino-acid change (arginine 1266 retained).
Molecular consequence: synonymous variant.
Genome position (GRCh38, 1-based): chr22:36,294,131, G>A on the plus strand (C>T on the coding strand, the complement: MYH9 is on the minus strand). VCF-style: chr22-36294131-G-A. GRCh37 (hg19) VCF-style: chr22-36690177-G-A.
Identifiers: ClinVar variation 3716890 (VCV003716890.3).